The following is an entry in ClinVar:

NM_001077653.2(TBX20):c.190C>A (p.His64Asn)

Gene: TBX20 (T-box transcription factor 20; minus strand). Cytogenetic location: 7p14.2.
Variant type: single nucleotide variant.
Coding change: c.190C>A on transcript NM_001077653.2 (MANE Select); coding-DNA position 190, C replaced by A.
Protein change: p.His64Asn; replaces histidine 64 with asparagine.
Molecular consequence: missense variant.
Genome position (GRCh38, 1-based): chr7:35,250,141, G>T on the plus strand (C>A on the coding strand, the complement: TBX20 is on the minus strand). VCF-style: chr7-35250141-G-T. GRCh37 (hg19) VCF-style: chr7-35289753-G-T.
Other names: c.190C>A, p.His64Asn (NM_001166220.1); short protein forms H64N.
Identifiers: ClinVar variation 2156560 (VCV002156560.5), dbSNP rs1284014948, ClinGen allele CA367265300.

ClinVar aggregate classification (germline): Uncertain significance. Review status: criteria provided, multiple submitters, no conflicts (2 of 4 stars). 2 submissions from 2 submitters: Uncertain significance (2). Last evaluated 2025-07-16.

Conditions:
Cardiovascular phenotype. Identifiers: MedGen CN230736.

Allele frequency attached by ClinVar (database versions not stated): gnomAD exomes below 0.00001.
gnomAD v4.1: 2 of 1,614,006 alleles (0.00012%); highest among the groups gnomAD compares: Non-Finnish European, 0.00017%; no homozygotes.

Submissions (2):

Labcorp Genetics (formerly Invitae), Labcorp
Classification: Uncertain significance. Last evaluated: 2025-07-16. Review status: criteria provided, single submitter. Criteria: Invitae Variant Classification Sherloc (09022015). Collection method: clinical testing. Allele origin: germline.
Comment: This sequence change replaces histidine, which is basic and polar, with asparagine, which is neutral and polar, at codon 64 of the TBX20 protein (p.His64Asn). This variant is present in population databases (no rsID available, gnomAD 0.0009%). This variant has not been reported in the literature in individuals affected with TBX20-related conditions. ClinVar contains an entry for this variant (Variation ID: 2156560). An algorithm developed to predict the effect of missense changes on protein structure and function (PolyPhen-2) suggests that this variant is likely to be tolerated. In summary, the available evidence is currently insufficient to determine the role of this variant in disease. Therefore, it has been classified as a Variant of Uncertain Significance.

Ambry Genetics
Classification: Uncertain significance for Cardiovascular phenotype. Last evaluated: 2025-07-15. Review status: criteria provided, single submitter. Criteria: Ambry Variant Classification Scheme 2023. Collection method: clinical testing. Allele origin: germline.
Comment: The p.H64N variant (also known as c.190C>A), located in coding exon 2 of the TBX20 gene, results from a C to A substitution at nucleotide position 190. The histidine at codon 64 is replaced by asparagine, an amino acid with similar properties. This amino acid position is conserved. In addition, this alteration is predicted to be tolerated by in silico analysis. Based on the available evidence, the clinical significance of this variant remains unclear.